The following is an entry in ClinVar:

ClinVar aggregate classification (germline): Uncertain significance (1 of 4 stars; one submission).

Conditions:
Leber congenital amaurosis 6 (LCA6). Identifiers: Orphanet 65, MedGen C1854260, MONDO:0013446, OMIM 613826.
Cone-rod dystrophy 13 (CORD13). Identifiers: Orphanet 1872, MedGen C2750720, MONDO:0011987, OMIM 608194.

gnomAD v4.1: 1 of 1,606,594 alleles (0.000062%); highest among the groups gnomAD compares: Non-Finnish European, 0.000085%; no homozygotes.

Submission:

Labcorp Genetics (formerly Invitae), Labcorp
Classification: Uncertain significance for Leber congenital amaurosis 6; Cone-rod dystrophy 13. Last evaluated: 2022-10-17. Review status: criteria provided, single submitter. Criteria: Invitae Variant Classification Sherloc (09022015). Collection method: clinical testing. Allele origin: germline.
Comment: Advanced modeling of protein sequence and biophysical properties (such as structural, functional, and spatial information, amino acid conservation, physicochemical variation, residue mobility, and thermodynamic stability) performed at Invitae indicates that this missense variant is not expected to disrupt RPGRIP1 protein function. In summary, the available evidence is currently insufficient to determine the role of this variant in disease. Therefore, it has been classified as a Variant of Uncertain Significance. ClinVar contains an entry for this variant (Variation ID: 1479307). This sequence change replaces leucine, which is neutral and non-polar, with valine, which is neutral and non-polar, at codon 429 of the RPGRIP1 protein (p.Leu429Val). This variant is not present in population databases (gnomAD no frequency). This variant has not been reported in the literature in individuals affected with RPGRIP1-related conditions.

NM_020366.4(RPGRIP1):c.1285C>G (p.Leu429Val)

Gene: RPGRIP1 (RPGR interacting protein 1; plus strand). Cytogenetic location: 14q11.2.
Variant type: single nucleotide variant.
Coding change: c.1285C>G on transcript NM_020366.4 (MANE Select); coding-DNA position 1285, C replaced by G.
Protein change: p.Leu429Val; replaces leucine 429 with valine.
Molecular consequence: missense variant.
Genome position (GRCh38, 1-based): chr14:21,317,829, C>G. VCF-style: chr14-21317829-C-G. GRCh37 (hg19) VCF-style: chr14-21785988-C-G.
Other names: c.211C>G, p.Leu71Val (NM_001377523.1, NM_001377948.1, NM_001377949.1 and 1 more transcripts); short protein forms L71V, L429V.
Identifiers: ClinVar variation 1479307 (VCV001479307.6), dbSNP rs2139188464, ClinGen allele CA388864292.